The following is an entry in ClinVar:

NM_004036.5(ADCY3):c.1356-7A>C

Gene: ADCY3 (adenylate cyclase 3; minus strand). Cytogenetic location: 2p23.3.
Variant type: single nucleotide variant.
Coding change: c.1356-7A>C on transcript NM_004036.5 (MANE Select); 7 bases into the intron before coding-DNA position 1356, A replaced by C.
Molecular consequence: intron variant.
Genome position (GRCh38, 1-based): chr2:24,838,629, T>G on the plus strand (A>C on the coding strand, the complement: ADCY3 is on the minus strand). VCF-style: chr2-24838629-T-G. GRCh37 (hg19) VCF-style: chr2-25061498-T-G.
Other names: c.1356-7A>C (NM_001377130.1, NM_001377129.1, NM_001320613.2 and 1 more transcripts); c.1422-7A>C (NM_001377128.1); c.633-7A>C (NM_001377131.1).
Identifiers: ClinVar variation 3349549 (VCV003349549.1).

ClinVar aggregate classification (germline): Likely benign (0 of 4 stars; one submission).

Conditions:
ADCY3-related disorder. Also called: ADCY3-related condition.

gnomAD v4.1: 2 of 1,613,512 alleles (0.00012%); highest among the groups gnomAD compares: Admixed American, 0.0033%; no homozygotes.

Submission:

PreventionGenetics, part of Exact Sciences
Classification: Likely benign for ADCY3-related condition. Last evaluated: 2023-11-21. Review status: no assertion criteria provided. Collection method: clinical testing. Allele origin: germline.
Comment: This variant is classified as likely benign based on ACMG/AMP sequence variant interpretation guidelines (Richards et al. 2015 PMID: 25741868, with internal and published modifications).